The following is an entry in ClinVar:

ClinVar aggregate classification (germline): Uncertain significance (1 of 4 stars; one submission).

Submission:

GeneDx
Classification: Uncertain significance. Last evaluated: 2025-08-19. Review status: criteria provided, single submitter. Criteria: GeneDx Variant Classification Process June 2021. Collection method: clinical testing. Allele origin: germline.
Comment: Not observed at significant frequency in large population cohorts (gnomAD); In silico analysis supports that this missense variant has a deleterious effect on protein structure/function; Has not been previously published as pathogenic or benign to our knowledge

NM_004736.4(XPR1):c.608C>T (p.Thr203Ile)

Gene: XPR1 (xenotropic and polytropic retrovirus receptor 1; plus strand). Cytogenetic location: 1q25.3.
Variant type: single nucleotide variant.
Coding change: c.608C>T on transcript NM_004736.4 (MANE Select); coding-DNA position 608, C replaced by T.
Protein change: p.Thr203Ile; replaces threonine 203 with isoleucine.
Molecular consequence: missense variant. On other transcripts: non-coding transcript variant (1).
Genome position (GRCh38, 1-based): chr1:180,806,484, C>T. VCF-style: chr1-180806484-C-T. GRCh37 (hg19) VCF-style: chr1-180775620-C-T.
Other names: c.608C>T, p.Thr203Ile (NM_001135669.2, NM_001328662.2); short protein forms T203I.
Identifiers: ClinVar variation 1800738 (VCV001800738.2), dbSNP rs2525828202, ClinGen allele CA343843762.